The following is an entry in ClinVar:

NM_017617.5(NOTCH1):c.2080G>A (p.Glu694Lys)

Gene: NOTCH1 (notch receptor 1; minus strand). Cytogenetic location: 9q34.3.
Variant type: single nucleotide variant.
Coding change: c.2080G>A on transcript NM_017617.5 (MANE Select); coding-DNA position 2080, G replaced by A.
Protein change: p.Glu694Lys; replaces glutamic acid 694 with lysine.
Molecular consequence: missense variant.
Genome position (GRCh38, 1-based): chr9:136,514,637, C>T on the plus strand (G>A on the coding strand, the complement: NOTCH1 is on the minus strand). VCF-style: chr9-136514637-C-T. GRCh37 (hg19) VCF-style: chr9-139409089-C-T.
Other names: p.Glu694Lys; c.2080G>A, p.Glu694Lys (LRG_1122t1); c.2080G>A (NM_017617.4); short protein forms E694K.
Identifiers: ClinVar variation 134911 (VCV000134911.29), dbSNP rs79782048, ClinGen allele CA161149.

ClinVar aggregate classification (germline): Benign/Likely benign. Review status: criteria provided, multiple submitters, no conflicts (2 of 4 stars). 15 submissions from 15 submitters: Benign (3); Likely benign (7). 5 of the submissions do not count toward it. Last evaluated 2026-09-01.

Conditions:
NOTCH1-related disorder. Also called: NOTCH1-related disorders; NOTCH1-related condition.
Connective tissue disorder. Also called: Connective tissue disease. Identifiers: MedGen C0009782, MONDO:0003900.
Adams-Oliver syndrome 5 (AOS5). Identifiers: Orphanet 974, MedGen C4014970, MONDO:0014459, OMIM 616028.
Familial thoracic aortic aneurysm and aortic dissection (TAAD). Also called: Thoracic aortic aneurysms and dissections. Identifiers: Orphanet 91387, MedGen C4707243, MONDO:0019625.

Allele frequency attached by ClinVar (database versions not stated): 1000 Genomes Project 30x 0.00016; 1000 Genomes Project 0.00020; ExAC 0.00061; gnomAD exomes 0.00064 and 0.00137; TOPMed 0.00068; gnomAD 0.00076 and 0.00079; ESP Exome Variant Server 0.00078.
gnomAD v4.1: 2,131 of 1,612,208 alleles (0.13%); highest among the groups gnomAD compares: Non-Finnish European, 0.17%; 4 homozygotes.

Submissions (15):

CeGaT Center for Human Genetics Tuebingen
Classification: Benign. Last evaluated: 2026-09-01. Review status: criteria provided, single submitter. Criteria: CeGaT Center For Human Genetics Tuebingen Variant Classification Criteria Version 2. Collection method: clinical testing. Allele origin: germline. Affected: yes. Observed: 1 variant allele.
Comment: NOTCH1: PP2, BP4, BS1, BS2

Labcorp Genetics (formerly Invitae), Labcorp
Classification: Likely benign for Adams-Oliver syndrome 5. Last evaluated: 2026-02-04. Review status: criteria provided, single submitter. Criteria: Invitae Variant Classification Sherloc (09022015). Collection method: clinical testing. Allele origin: germline.

Mayo Clinic Laboratories, Mayo Clinic
Classification: Likely benign. Last evaluated: 2025-05-08. Review status: criteria provided, single submitter. Criteria: ACMG Guidelines, 2015. Collection method: clinical testing. Allele origin: germline. Observed: 3 variant alleles.

Blueprint Genetics
Classification: Likely benign. Last evaluated: 2024-11-25. Review status: criteria provided, single submitter. Criteria: ACMG Guidelines, 2015. Collection method: clinical testing. Allele origin: germline.

Women's Health and Genetics/Laboratory Corporation of America, LabCorp
Classification: Likely benign. Last evaluated: 2023-07-21. Review status: criteria provided, single submitter. Criteria: LabCorp Variant Classification Summary - May 2015. Collection method: clinical testing. Allele origin: germline.

Ambry Genetics
Classification: Likely benign for Familial thoracic aortic aneurysm and aortic dissection. Last evaluated: 2022-12-01. Review status: criteria provided, single submitter. Criteria: Ambry Variant Classification Scheme 2023. Collection method: clinical testing. Allele origin: germline.

GeneDx
Classification: Likely benign. Last evaluated: 2020-10-12. Review status: criteria provided, single submitter. Criteria: GeneDx Variant Classification Process June 2021. Collection method: clinical testing. Allele origin: germline. Affected: yes.
Comment: This variant is associated with the following publications: (PMID: 26820064, 18593716, 24728327, 26517685)

Mendelics
Classification: Benign for Adams-Oliver syndrome 5. Last evaluated: 2019-05-28. Review status: criteria provided, single submitter. Criteria: Mendelics Assertion Criteria 2017. Collection method: clinical testing. Allele origin: unknown.

CHEO Genetics Diagnostic Laboratory, Children's Hospital of Eastern Ontario
Classification: Benign for Familial thoracic aortic aneurysm and aortic dissection. Last evaluated: 2018-01-19. Review status: criteria provided, single submitter. Criteria: ACMG Guidelines, 2015. Collection method: clinical testing. Allele origin: germline.

Center for Human Genetics, Inc
Classification: Likely benign for Connective tissue disorder. Last evaluated: 2016-11-01. Review status: criteria provided, single submitter. Criteria: ACMG Guidelines, 2015. Collection method: clinical testing. Allele origin: germline. Affected: yes.

PreventionGenetics, part of Exact Sciences
Classification: Likely benign for NOTCH1-related condition. Last evaluated: 2019-10-15. Review status: no assertion criteria provided. Collection method: clinical testing. Allele origin: germline. Not counted in ClinVar's aggregate classification.
Comment: This variant is classified as likely benign based on ACMG/AMP sequence variant interpretation guidelines (Richards et al. 2015 PMID: 25741868, with internal and published modifications).

ITMI
No classification provided. Condition: AllHighlyPenetrant. Last evaluated: 2013-09-19. Review status: no classification provided. Collection method: reference population. Allele origin: germline. Not counted in ClinVar's aggregate classification.
Comment: Please see associated publication for description of ethnicities

Clinical Genetics DNA and cytogenetics Diagnostics Lab, Erasmus MC, Erasmus Medical Center
Classification: Likely benign. Review status: no assertion criteria provided. Collection method: clinical testing. Allele origin: germline. Affected: yes. Study: VKGL Data-share Consensus. Not counted in ClinVar's aggregate classification.

Genome Diagnostics Laboratory, Amsterdam University Medical Center
Classification: Likely benign. Review status: no assertion criteria provided. Collection method: clinical testing. Allele origin: germline. Affected: yes. Study: VKGL Data-share Consensus. Not counted in ClinVar's aggregate classification.

Genome Diagnostics Laboratory, University Medical Center Utrecht
Classification: Likely benign. Review status: no assertion criteria provided. Collection method: clinical testing. Allele origin: germline. Affected: yes. Study: VKGL Data-share Consensus. Not counted in ClinVar's aggregate classification.

Literature cited by the submitters: PubMed 18593716 (cited by Ambry Genetics); PubMed 24728327 (cited by ITMI).